The following is an entry in ClinVar:

NM_003848.4(SUCLG2):c.839del (p.Lys279_Ser280insTer)

Gene: SUCLG2 (succinate-CoA ligase GDP-forming subunit beta; minus strand). Cytogenetic location: 3p14.1.
Variant type: Deletion.
Coding change: c.839del on transcript NM_003848.4 (MANE Select); coding-DNA position 839, one base deleted (C; older notation c.839delC).
Protein change: p.Lys279_Ser280insTer.
Molecular consequence: nonsense.
Genome position (GRCh38, 1-based): chr3:67,498,214, G deleted on the plus strand (C on the coding strand, the reverse complement: SUCLG2 is on the minus strand). VCF-style (leftmost placement, unchanged base first): chr3-67498213-TG-T. GRCh37 (hg19) VCF-style: chr3-67548637-TG-T.
Other names: c.839del, p.Lys279_Ser280insTer (NM_001177599.2).
Identifiers: ClinVar variation 2022948 (VCV002022948.4), dbSNP rs2471175576, ClinGen allele CA2580070394.

ClinVar aggregate classification (germline): Uncertain significance (1 of 4 stars; one submission).

Submission:

Labcorp Genetics (formerly Invitae), Labcorp
Classification: Uncertain significance. Last evaluated: 2024-02-24. Review status: criteria provided, single submitter. Criteria: Invitae Variant Classification Sherloc (09022015). Collection method: clinical testing. Allele origin: germline.
Comment: This sequence change creates a premature translational stop signal (p.Ser280*) in the SUCLG2 gene. It is expected to result in an absent or disrupted protein product. However, the current clinical and genetic evidence is not sufficient to establish whether loss-of-function variants in SUCLG2 cause disease. This variant is not present in population databases (gnomAD no frequency). This variant has not been reported in the literature in individuals affected with SUCLG2-related conditions. ClinVar contains an entry for this variant (Variation ID: 2022948). In summary, the available evidence is currently insufficient to determine the role of this variant in disease. Therefore, it has been classified as a Variant of Uncertain Significance.